The following is an entry in ClinVar:

NM_000059.4(BRCA2):c.7350T>C (p.Asn2450=)

Gene: BRCA2 (BRCA2 DNA repair associated; plus strand). Cytogenetic location: 13q13.1.
Variant type: single nucleotide variant.
Coding change: c.7350T>C on transcript NM_000059.4 (MANE Select); coding-DNA position 7350, T replaced by C.
Protein change: p.Asn2450=; no amino-acid change (asparagine 2450 retained).
Molecular consequence: synonymous variant.
Genome position (GRCh38, 1-based): chr13:32,355,203, T>C. VCF-style: chr13-32355203-T-C. GRCh37 (hg19) VCF-style: chr13-32929340-T-C.
Identifiers: ClinVar variation 427532 (VCV000427532.11), dbSNP rs767290713, ClinGen allele CA6941084.

ClinVar aggregate classification (germline): Likely benign. Review status: reviewed by expert panel (3 of 4 stars). 2 submissions from 2 submitters: Likely benign (1). 1 of the submissions does not count toward it. Last evaluated 2017-06-29.

Conditions:
Breast-ovarian cancer, familial, susceptibility to, 2 (BROVCA2). Also called: BRCA2 Hereditary Breast and Ovarian Cancer. Identifiers: Orphanet 145, MedGen C2675520, MONDO:0012933, OMIM 612555. Disease mechanism: loss of function.
Hereditary breast ovarian cancer syndrome. Also called: BRCA1- and BRCA2-Associated Hereditary Breast and Ovarian Cancer; Hereditary breast and/or ovarian cancer syndrome; Hereditary breast and ovarian cancer; Hereditary breast and ovarian cancer syndrome; Hereditary breast and ovarian cancer syndrome (HBOC); Breast and ovarian cancer. Identifiers: Orphanet 145, MedGen C0677776, MeSH D061325, MONDO:0003582. Disease mechanism: loss of function.

Allele frequency attached by ClinVar (database versions not stated): gnomAD exomes below 0.00001 and 0.00001; ExAC 0.00001.
gnomAD v4.1: 3 of 1,613,618 alleles (0.00019%); highest among the groups gnomAD compares: South Asian, 0.0033%; no homozygotes.

Submissions (2):

Evidence-based Network for the Interpretation of Germline Mutant Alleles (ENIGMA)
Classification: Likely benign for Breast-ovarian cancer, familial, susceptibility to, 2. Last evaluated: 2017-06-29. Review status: reviewed by expert panel. Criteria: ENIGMA BRCA1/2 Classification Criteria (2017-06-29). Collection method: curation. Allele origin: germline.
Comment: Synonymous substitution variant, with low bioinformatic likelihood to result in a splicing aberration (Splicing prior probability 0.02).

Labcorp Genetics (formerly Invitae), Labcorp
Classification: Likely benign for Hereditary breast ovarian cancer syndrome. Last evaluated: 2021-01-13. Review status: criteria provided, single submitter. Criteria: Invitae Variant Classification Sherloc (09022015). Collection method: clinical testing. Allele origin: germline. Not counted in ClinVar's aggregate classification.